The following is an entry in ClinVar:

ClinVar aggregate classification (germline): Pathogenic (1 of 4 stars; one submission).

Allele frequency attached by ClinVar (database versions not stated): gnomAD exomes 0.00002.
gnomAD v4.1: 26 of 1,612,200 alleles (0.0016%); highest among the groups gnomAD compares: Non-Finnish European, 0.0021%; no homozygotes.

Submission:

Labcorp Genetics (formerly Invitae), Labcorp
Classification: Pathogenic. Last evaluated: 2022-08-23. Review status: criteria provided, single submitter. Criteria: Invitae Variant Classification Sherloc (09022015). Collection method: clinical testing. Allele origin: germline.
Comment: For these reasons, this variant has been classified as Pathogenic. Algorithms developed to predict the effect of sequence changes on RNA splicing suggest that this variant may disrupt the consensus splice site. Disruption of this splice site has been observed in individual(s) with clinical features of sitosterolemia (Invitae). In at least one individual the data is consistent with being in trans (on the opposite chromosome) from a pathogenic variant. This variant is present in population databases (no rsID available, gnomAD 0.0009%). This sequence change affects an acceptor splice site in intron 4 of the ABCG8 gene. It is expected to disrupt RNA splicing. Variants that disrupt the donor or acceptor splice site typically lead to a loss of protein function (PMID: 16199547), and loss-of-function variants in ABCG8 are known to be pathogenic (PMID: 11452359, 15375183, 16029460).

Literature cited by the submitters: PubMed 16199547; PubMed 11452359; PubMed 15375183; PubMed 16029460.

NM_022437.3(ABCG8):c.562-1G>C

Gene: ABCG8 (ATP binding cassette subfamily G member 8; plus strand). Cytogenetic location: 2p21.
Variant type: single nucleotide variant.
Coding change: c.562-1G>C on transcript NM_022437.3 (MANE Select); the canonical splice acceptor site of the intron before coding-DNA position 562, G replaced by C.
Molecular consequence: splice acceptor variant.
Genome position (GRCh38, 1-based): chr2:43,852,353, G>C. VCF-style: chr2-43852353-G-C. GRCh37 (hg19) VCF-style: chr2-44079492-G-C.
Other names: c.562-1G>C (NM_001357321.2).
Identifiers: ClinVar variation 1983599 (VCV001983599.4), dbSNP rs1317214046, ClinGen allele CA346665879.
Genomic context (GRCh38, chr2:43,852,353, plus strand): 5'-CAATGTGTCCAGCCCTGAAGGAGGCCCCTGAGGTGGCCTCAAAGCTCCTTCTGGCCCACA[G>C]GTGGAGGACGTGATCGCGGAGCTGCGGCTTAGGCAGTGCGCTGACACCCGCGTGGGCAAC-3'